The following is an entry in ClinVar:

NM_020975.6(RET):c.749G>T (p.Arg250Leu)

Gene: RET (ret proto-oncogene; plus strand). Cytogenetic location: 10q11.21.
Variant type: single nucleotide variant.
Coding change: c.749G>T on transcript NM_020975.6 (MANE Select); coding-DNA position 749, G replaced by T.
Protein change: p.Arg250Leu; replaces arginine 250 with leucine.
Molecular consequence: missense variant. On other transcripts: 5 prime UTR variant (1), intron variant (22).
Genome position (GRCh38, 1-based): chr10:43,105,075, G>T. VCF-style: chr10-43105075-G-T. GRCh37 (hg19) VCF-style: chr10-43600523-G-T.
Other names: c.749G>T, p.Arg250Leu (NM_000323.2, NM_001406743.1, NM_001406744.1 and 8 more transcripts); c.-14G>T (NM_001355216.2); c.620G>T, p.Arg207Leu (NM_001406761.1, NM_001406762.1, NM_001406764.1 and 2 more transcripts); c.461G>T, p.Arg154Leu (NM_001406766.1, NM_001406767.1, NM_001406770.1); c.625+2446G>T (NM_001406773.1, NM_001406771.1, NM_001406782.1 and 5 more transcripts); c.496+2446G>T (NM_001406786.1, NM_001406783.1); c.338-3956G>T (NM_001406778.1, NM_001406775.1, NM_001406776.1 and 1 more transcripts); c.337+4353G>T (NM_001406790.1, NM_001406788.1, NM_001406789.1 and 1 more transcripts); and 2 more; short protein forms R154L, R207L, R250L.
Identifiers: ClinVar variation 2778092 (VCV002778092.4), dbSNP rs1662568698, ClinGen allele CA376544861.
Genomic context (GRCh38, chr10:43,105,075, plus strand): 5'-ACCGCGAGCAGCGGGAGAAGTACGAGCTGGTGGCCGTGTGCACCGTGCACGCCGGCGCGC[G>T]CGAGGAGGTGGTGATGGTGCCCTTCCCGGTGACCGTGTACGACGAGGACGACTCGGCGCC-3'
Protein context (NP_066124.1, residues 240-260): VAVCTVHAGA[Arg250Leu]EEVVMVPFPV

ClinVar aggregate classification (germline): Conflicting classifications of pathogenicity. Review status: criteria provided, conflicting classifications (1 of 4 stars). 2 submissions from 2 submitters: Uncertain significance (1); Likely benign (1). Last evaluated 2024-08-01.

Conditions:
Hereditary cancer-predisposing syndrome. Also called: Neoplastic Syndromes, Hereditary; Tumor predisposition; Hereditary Cancer Syndrome; Hereditary neoplastic syndrome. Identifiers: Orphanet 140162, MedGen C0027672, MeSH D009386, MONDO:0015356.
Multiple endocrine neoplasia, type 2 (MEN2). Identifiers: Orphanet 653, MedGen C4048306, MONDO:0019003. Disease mechanism: gain of function.

Allele frequency attached by ClinVar (database versions not stated): gnomAD exomes 0.00001.
gnomAD v4.1: 3 of 1,610,714 alleles (0.00019%); highest among the groups gnomAD compares: East Asian, 0.0045%; no homozygotes.

Submissions (2):

Ambry Genetics
Classification: Likely benign for Hereditary cancer-predisposing syndrome. Last evaluated: 2024-08-01. Review status: criteria provided, single submitter. Criteria: Ambry Variant Classification Scheme 2023. Collection method: clinical testing. Allele origin: germline.

Labcorp Genetics (formerly Invitae), Labcorp
Classification: Uncertain significance for Multiple endocrine neoplasia, type 2. Last evaluated: 2023-03-18. Review status: criteria provided, single submitter. Criteria: Invitae Variant Classification Sherloc (09022015). Collection method: clinical testing. Allele origin: germline.
Comment: This variant is not present in population databases (gnomAD no frequency). Algorithms developed to predict the effect of missense changes on protein structure and function output the following: SIFT: "Not Available"; PolyPhen-2: "Benign"; Align-GVGD: "Not Available". The leucine amino acid residue is found in multiple mammalian species, which suggests that this missense change does not adversely affect protein function. This variant has not been reported in the literature in individuals affected with RET-related conditions. This sequence change replaces arginine, which is basic and polar, with leucine, which is neutral and non-polar, at codon 250 of the RET protein (p.Arg250Leu). In summary, the available evidence is currently insufficient to determine the role of this variant in disease. Therefore, it has been classified as a Variant of Uncertain Significance.